The following is an entry in ClinVar:

NM_000059.4(BRCA2):c.8643A>G (p.Thr2881=)

Gene: BRCA2 (BRCA2 DNA repair associated; plus strand). Cytogenetic location: 13q13.1.
Variant type: single nucleotide variant.
Coding change: c.8643A>G on transcript NM_000059.4 (MANE Select); coding-DNA position 8643, A replaced by G.
Protein change: p.Thr2881=; no amino-acid change (threonine 2881 retained).
Molecular consequence: synonymous variant.
Genome position (GRCh38, 1-based): chr13:32,376,680, A>G. VCF-style: chr13-32376680-A-G. GRCh37 (hg19) VCF-style: chr13-32950817-A-G.
Identifiers: ClinVar variation 427434 (VCV000427434.13), dbSNP rs569080122, ClinGen allele CA6941282.

ClinVar aggregate classification (germline): Likely benign. Review status: reviewed by expert panel (3 of 4 stars). 3 submissions from 3 submitters: Likely benign (1). 2 of the submissions do not count toward it. Last evaluated 2017-06-29.

Conditions:
Hereditary cancer-predisposing syndrome. Also called: Hereditary neoplastic syndrome; Hereditary Cancer Syndrome; Neoplastic Syndromes, Hereditary; Tumor predisposition. Identifiers: Orphanet 140162, MedGen C0027672, MeSH D009386, MONDO:0015356.
Breast-ovarian cancer, familial, susceptibility to, 2 (BROVCA2). Also called: BRCA2 Hereditary Breast and Ovarian Cancer. Identifiers: Orphanet 145, MedGen C2675520, MONDO:0012933, OMIM 612555. Disease mechanism: loss of function.
Hereditary breast ovarian cancer syndrome. Also called: Hereditary breast and ovarian cancer syndrome; BRCA1- and BRCA2-Associated Hereditary Breast and Ovarian Cancer; Hereditary breast and/or ovarian cancer syndrome; Hereditary breast and ovarian cancer; Breast and ovarian cancer; Hereditary breast and ovarian cancer syndrome (HBOC). Identifiers: Orphanet 145, MedGen C0677776, MeSH D061325, MONDO:0003582. Disease mechanism: loss of function.

Allele frequency attached by ClinVar (database versions not stated): gnomAD exomes below 0.00001; ExAC 0.00001; gnomAD 0.00001; 1000 Genomes Project 30x 0.00016; 1000 Genomes Project 0.00020.
gnomAD v4.1: 1 of 1,614,156 alleles (0.000062%); highest among the groups gnomAD compares: South Asian, 0.0011%; no homozygotes.

Submissions (3):

Evidence-based Network for the Interpretation of Germline Mutant Alleles (ENIGMA)
Classification: Likely benign for Breast-ovarian cancer, familial, susceptibility to, 2. Last evaluated: 2017-06-29. Review status: reviewed by expert panel. Criteria: ENIGMA BRCA1/2 Classification Criteria (2017-06-29). Collection method: curation. Allele origin: germline.
Comment: Synonymous substitution variant, with low bioinformatic likelihood to result in a splicing aberration (Splicing prior probability 0.02).

Ambry Genetics
Classification: Likely benign for Hereditary cancer-predisposing syndrome. Last evaluated: 2024-04-16. Review status: criteria provided, single submitter. Criteria: Ambry Variant Classification Scheme 2023. Collection method: clinical testing. Allele origin: germline. Not counted in ClinVar's aggregate classification.

Labcorp Genetics (formerly Invitae), Labcorp
Classification: Likely benign for Hereditary breast ovarian cancer syndrome. Last evaluated: 2024-02-24. Review status: criteria provided, single submitter. Criteria: Invitae Variant Classification Sherloc (09022015). Collection method: clinical testing. Allele origin: germline. Not counted in ClinVar's aggregate classification.